The following is an entry in ClinVar:

NM_001369268.1(ACAN):c.576C>A (p.Tyr192Ter)

Gene: ACAN (aggrecan; plus strand). Cytogenetic location: 15q26.1.
Variant type: single nucleotide variant.
Coding change: c.576C>A on transcript NM_001369268.1 (MANE Select); coding-DNA position 576, C replaced by A.
Protein change: p.Tyr192Ter; replaces tyrosine 192 with a stop codon.
Molecular consequence: nonsense.
Genome position (GRCh38, 1-based): chr15:88,840,133, C>A. VCF-style: chr15-88840133-C-A. GRCh37 (hg19) VCF-style: chr15-89383364-C-A.
Other names: c.576C>A, p.Tyr192Ter (NM_001135.4, NM_001411096.1, NM_001411097.1 and 1 more transcripts); short protein forms Y192*.
Identifiers: ClinVar variation 4214364 (VCV004214364.1).

ClinVar aggregate classification (germline): Pathogenic (1 of 4 stars; one submission).

Conditions:
Inborn genetic diseases. Identifiers: MedGen C0950123, MeSH D030342.

Submission:

Ambry Genetics
Classification: Pathogenic for Inborn genetic diseases. Last evaluated: 2025-09-11. Review status: criteria provided, single submitter. Criteria: Ambry Variant Classification Scheme 2023. Collection method: clinical testing. Allele origin: germline.
Comment: The c.576C>A (p.Y192*) alteration, located in exon 4 (coding exon 3) of the ACAN gene, consists of a C to A substitution at nucleotide position 576. This changes the amino acid from a tyrosine (Y) to a stop codon at amino acid position 192. This alteration is expected to result in loss of function by premature protein truncation or nonsense-mediated mRNA decay. This variant was not reported in population-based cohorts in the Genome Aggregation Database (gnomAD). Based on the available evidence, this alteration is classified as pathogenic.